The following is an entry in ClinVar:

ClinVar aggregate classification (germline): Uncertain significance. Review status: criteria provided, single submitter (1 of 4 stars). 3 submissions from 2 submitters: Uncertain significance (2). 1 of the submissions does not count toward it.

Conditions:
Transitory neonatal diabetes mellitus. Also called: Transient neonatal diabetes mellitus. Identifiers: MedGen C0342273, MONDO:0020525, HP:0008255.
Maturity-onset diabetes of the young (MODY). Also called: Maturity onset diabetes mellitus in young. Identifiers: Orphanet 552, MedGen C0342276, MONDO:0018911, HP:0004904.
Hyperinsulinemic hypoglycemia, familial, 1 (HHF1). Also called: Persistent Hyperinsulinemia Hypoglycemia of Infancy; HYPERINSULINISM, FAMILIAL, WITH PANCREATIC NESIDIOBLASTOSIS; HYPOGLYCEMIA, HYPERINSULINEMIC, OF INFANCY; NESIDIOBLASTOSIS OF PANCREAS; Persistent hyperinsulinemic hypoglycemia of infancy. Identifiers: Orphanet 276575, Orphanet 276598, MedGen C2931832, MONDO:0009734, OMIM 256450.

Submissions (3):

Clinical Genomics, Uppaluri K&H Personalized Medicine Clinic
Classification: Uncertain significance for Transitory neonatal diabetes mellitus. Review status: criteria provided, single submitter. Criteria: K & H Uppaluri Personalized Medicine Clinic Variant Classification & Assertion Criteria_Updated V.1. Collection method: research. Allele origin: somatic. Inheritance: Somatic mutation.
Comment: Mutations in ABCC8 gene are associated with both neonatal diabetes mellitus as well as MODY. Patients with this mutation may have a better response to sulfonylureas. However, no sufficient evidence is found to ascertain the role of this particular variant (rs1057517274) in neonatal diabetes yet.

Clinical Genomics, Uppaluri K&H Personalized Medicine Clinic
Classification: Uncertain significance for Maturity-onset diabetes of the young. Review status: criteria provided, single submitter. Criteria: K & H Uppaluri Personalized Medicine Clinic Variant Classification & Assertion Criteria_Updated V.1. Collection method: research. Allele origin: somatic. Inheritance: Somatic mutation.
Comment: Mutations in ABCC8 gene are associated with both neonatal diabetes mellitus as well as MODY. Patients with this mutation may have a better response to sulfonylureas. However, no sufficient evidence is found to ascertain the role of this particular variant (rs1057517274) in MODY yet.

Counsyl
Classification: Likely pathogenic for Hyperinsulinemic hypoglycemia, familial, 1. Last evaluated: 2016-10-04. Review status: no assertion criteria provided. Collection method: clinical testing. Allele origin: unknown. Not counted in ClinVar's aggregate classification.

Literature cited by the submitters: PubMed 16885549 (cited by Clinical Genomics, Uppaluri K&H Personalized Medicine Clinic); PubMed 21989597 (cited by Clinical Genomics, Uppaluri K&H Personalized Medicine Clinic); PubMed 27538677 (cited by Clinical Genomics, Uppaluri K&H Personalized Medicine Clinic); PubMed 18981553 (cited by Clinical Genomics, Uppaluri K&H Personalized Medicine Clinic); PubMed 32027066 (cited by Clinical Genomics, Uppaluri K&H Personalized Medicine Clinic); PubMed 16613899 (cited by Clinical Genomics, Uppaluri K&H Personalized Medicine Clinic); PubMed 18025408 (cited by Clinical Genomics, Uppaluri K&H Personalized Medicine Clinic); PubMed 32792356 (cited by Clinical Genomics, Uppaluri K&H Personalized Medicine Clinic).

NM_000352.6(ABCC8):c.3650+2T>A

Gene: ABCC8 (ATP binding cassette subfamily C member 8; minus strand). Cytogenetic location: 11p15.1.
Variant type: single nucleotide variant.
Coding change: c.3650+2T>A on transcript NM_000352.6 (MANE Select); the canonical splice donor site of the intron after coding-DNA position 3650, T replaced by A.
Molecular consequence: splice donor variant.
Genome position (GRCh38, 1-based): chr11:17,402,659, A>T on the plus strand (T>A on the coding strand, the complement: ABCC8 is on the minus strand). VCF-style: chr11-17402659-A-T. GRCh37 (hg19) VCF-style: chr11-17424206-A-T.
Other names: c.3647+2T>A (NM_001351297.2); c.3650+2T>A (NM_001351296.2); c.3716+2T>A (NM_001351295.2); c.3653+2T>A (NM_001287174.3).
Identifiers: ClinVar variation 371442 (VCV000371442.4), dbSNP rs1057517274, ClinGen allele CA16041441.